The following is an entry in ClinVar:

NM_000059.4(BRCA2):c.7185C>A (p.His2395Gln)

Gene: BRCA2 (BRCA2 DNA repair associated; plus strand). Cytogenetic location: 13q13.1.
Variant type: single nucleotide variant.
Coding change: c.7185C>A on transcript NM_000059.4 (MANE Select); coding-DNA position 7185, C replaced by A.
Protein change: p.His2395Gln; replaces histidine 2395 with glutamine.
Molecular consequence: missense variant.
Genome position (GRCh38, 1-based): chr13:32,355,038, C>A. VCF-style: chr13-32355038-C-A. GRCh37 (hg19) VCF-style: chr13-32929175-C-A.
Other names: p.H2395Q:CAC>CAA; short protein forms H2395Q.
Identifiers: ClinVar variation 182272 (VCV000182272.12), dbSNP rs730881580, ClinGen allele CA024938.
Genomic context (GRCh38, chr13:32,355,038, plus strand): 5'-AGCAGTTTCAGGACATCCATTTTATCAAGTTTCTGCTACAAGAAATGAAAAAATGAGACA[C>A]TTGATTACTACAGGCAGACCAACCAAAGTCTTTGTTCCACCTTTTAAAACTAAATCACAT-3'
Protein context (NP_000050.3, residues 2385-2405): VSATRNEKMR[His2395Gln]LITTGRPTKV

ClinVar aggregate classification (germline): Uncertain significance. Review status: criteria provided, multiple submitters, no conflicts (2 of 4 stars). 3 submissions from 3 submitters: Uncertain significance (3). Last evaluated 2025-06-24.

Conditions:
Hereditary cancer-predisposing syndrome. Also called: Tumor predisposition; Hereditary Cancer Syndrome; Hereditary neoplastic syndrome; Neoplastic Syndromes, Hereditary. Identifiers: Orphanet 140162, MedGen C0027672, MeSH D009386, MONDO:0015356.
Hereditary breast ovarian cancer syndrome. Also called: Breast and ovarian cancer; Hereditary breast and ovarian cancer; Hereditary breast and/or ovarian cancer syndrome; BRCA1- and BRCA2-Associated Hereditary Breast and Ovarian Cancer; Hereditary breast and ovarian cancer syndrome (HBOC); Hereditary breast and ovarian cancer syndrome. Identifiers: Orphanet 145, MedGen C0677776, MeSH D061325, MONDO:0003582. Disease mechanism: loss of function.

Submissions (3):

Color Diagnostics, LLC DBA Color Health
Classification: Uncertain significance for Hereditary cancer-predisposing syndrome. Last evaluated: 2025-06-24. Review status: criteria provided, single submitter. Criteria: ACMG Guidelines, 2015. Collection method: clinical testing. Allele origin: germline.
Comment: This missense variant replaces histidine with glutamine at codon 2395 of the BRCA2 protein. Computational prediction suggests that this variant may not impact protein structure and function. To our knowledge, functional studies have not been reported for this variant. This variant has not been reported in individuals affected with BRCA2-related disorders in the literature. This variant has not been identified in the general population by the Genome Aggregation Database (gnomAD). The available evidence is insufficient to determine the role of this variant in disease conclusively. Therefore, this variant is classified as a Variant of Uncertain Significance.

Labcorp Genetics (formerly Invitae), Labcorp
Classification: Uncertain significance for Hereditary breast ovarian cancer syndrome. Last evaluated: 2023-05-11. Review status: criteria provided, single submitter. Criteria: Invitae Variant Classification Sherloc (09022015). Collection method: clinical testing. Allele origin: germline.
Comment: In summary, the available evidence is currently insufficient to determine the role of this variant in disease. Therefore, it has been classified as a Variant of Uncertain Significance. Advanced modeling of protein sequence and biophysical properties (such as structural, functional, and spatial information, amino acid conservation, physicochemical variation, residue mobility, and thermodynamic stability) performed at Invitae indicates that this missense variant is not expected to disrupt BRCA2 protein function. ClinVar contains an entry for this variant (Variation ID: 182272). This variant has not been reported in the literature in individuals affected with BRCA2-related conditions. This sequence change replaces histidine, which is basic and polar, with glutamine, which is neutral and polar, at codon 2395 of the BRCA2 protein (p.His2395Gln). This variant is not present in population databases (gnomAD no frequency).

GeneDx
Classification: Uncertain significance. Last evaluated: 2014-10-07. Review status: criteria provided, single submitter. Criteria: GeneDx Variant Classification (06012015). Collection method: clinical testing. Allele origin: germline. Affected: yes.
Comment: This variant is denoted BRCA2 c.7185C>A at the cDNA level, p.His2395Gln (H2395Q) at the protein level, and results in the change of a Histidine to a Glutamine (CAC>CAA). This variant has not, to our knowledge, been published in the literature as pathogenic or benign. BRCA2 His2395Gln was not observed in approximately 6,500 individuals of European and African American ancestry in the NHLBI Exome Sequencing Project, indicating it is not a common benign variant in these populations. Since Histidine and Glutamine differ in some properties, this is considered a semi-conservative amino acid substitution. BRCA2 His2395Gln occurs at a position that is moderately conserved across species and is located within the region of interaction with FANCD2 (UniProt). In silico analyses predict that this variant is unlikely to alter protein structure or function. Based on currently available information, it is unclear whether BRCA2 His2395Gln is pathogenic or benign. We consider it to be a variant of uncertain significance.